The following is an entry in ClinVar:

ClinVar aggregate classification (germline): Uncertain significance. Review status: criteria provided, multiple submitters, no conflicts (2 of 4 stars). 4 submissions from 4 submitters: Uncertain significance (4). Last evaluated 2026-09-03.

Conditions:
MAX-related disorder. Also called: MAX-related condition.
Hereditary cancer-predisposing syndrome. Also called: Neoplastic Syndromes, Hereditary; Hereditary Cancer Syndrome; Tumor predisposition; Hereditary neoplastic syndrome. Identifiers: Orphanet 140162, MedGen C0027672, MeSH D009386, MONDO:0015356.
Hereditary pheochromocytoma and paraganglioma. Also called: Hereditary paragangliomas and pheochromocytomas; Hereditary pheochromocytoma-paraganglioma; Hereditary Paraganglioma-Pheochromocytoma Syndromes. Identifiers: Orphanet 29072, MedGen C4274332, MONDO:0017366.

Allele frequency attached by ClinVar (database versions not stated): gnomAD 0.00001; gnomAD exomes 0.00001; TOPMed 0.00001; ESP Exome Variant Server 0.00008.
gnomAD v4.1: 11 of 1,613,658 alleles (0.00068%); highest among the groups gnomAD compares: Non-Finnish European, 0.00093%; no homozygotes.

Submissions (4):

PreventionGenetics, part of Exact Sciences
Classification: Uncertain significance for MAX-related condition. Last evaluated: 2026-09-03. Review status: criteria provided, single submitter. Criteria: ACMG Guidelines, 2015. Collection method: clinical testing. Allele origin: germline.
Comment: The MAX c.14A>G variant is predicted to result in the amino acid substitution p.Asp5Gly. To our knowledge, this variant has not been reported in the literature. This variant is reported in 0.0065% of alleles in individuals of European (Non-Finnish) descent in gnomAD. This variant is interpreted as uncertain in ClinVar (Variation ID: 485708). At this time, the clinical significance of this variant is uncertain due to the absence of conclusive functional and genetic evidence.

Labcorp Genetics (formerly Invitae), Labcorp
Classification: Uncertain significance for Hereditary pheochromocytoma and paraganglioma. Last evaluated: 2026-01-15. Review status: criteria provided, single submitter. Criteria: Invitae Variant Classification Sherloc (09022015). Collection method: clinical testing. Allele origin: germline.
Comment: This sequence change replaces aspartic acid, which is acidic and polar, with glycine, which is neutral and non-polar, at codon 5 of the MAX protein (p.Asp5Gly). This variant is present in population databases (rs150113270, gnomAD 0.007%). This variant has not been reported in the literature in individuals affected with MAX-related conditions. ClinVar contains an entry for this variant (Variation ID: 485708). An algorithm developed to predict the effect of missense changes on protein structure and function (PolyPhen-2) suggests that this variant is likely to be disruptive. In summary, the available evidence is currently insufficient to determine the role of this variant in disease. Therefore, it has been classified as a Variant of Uncertain Significance.

Ambry Genetics
Classification: Uncertain significance for Hereditary cancer-predisposing syndrome. Last evaluated: 2025-05-15. Review status: criteria provided, single submitter. Criteria: Ambry Variant Classification Scheme 2023. Collection method: clinical testing. Allele origin: germline.
Comment: The p.D5G variant (also known as c.14A>G), located in coding exon 1 of the MAX gene, results from an A to G substitution at nucleotide position 14. The aspartic acid at codon 5 is replaced by glycine, an amino acid with similar properties. This amino acid position is highly conserved in available vertebrate species. In addition, the in silico prediction for this alteration is inconclusive. Since supporting evidence is limited at this time, the clinical significance of this alteration remains unclear.

GeneDx
Classification: Uncertain significance. Last evaluated: 2023-07-17. Review status: criteria provided, single submitter. Criteria: GeneDx Variant Classification Process June 2021. Collection method: clinical testing. Allele origin: germline. Affected: yes.
Comment: Not observed at significant frequency in large population cohorts (gnomAD); In silico analysis supports that this missense variant has a deleterious effect on protein structure/function; Has not been previously published as pathogenic or benign to our knowledge; This variant is associated with the following publications: (PMID: 26070438)

NM_002382.5(MAX):c.14A>G (p.Asp5Gly)

Genes: MAX (MYC associated transcriptional regulator X; minus strand), LOC130055850 (ATAC-STARR-seq lymphoblastoid silent region 5847; plus strand). Cytogenetic location: 14q23.3.
Variant type: single nucleotide variant.
Coding change: c.14A>G on transcript NM_002382.5 (MANE Select); coding-DNA position 14, A replaced by G.
Protein change: p.Asp5Gly; replaces aspartic acid 5 with glycine.
Molecular consequence: missense variant. On other transcripts: 5 prime UTR variant (1).
Genome position (GRCh38, 1-based): chr14:65,102,326, T>C on the plus strand (A>G on the coding strand, the complement: MAX is on the minus strand). VCF-style: chr14-65102326-T-C. GRCh37 (hg19) VCF-style: chr14-65569044-T-C.
Other names: c.14A>G, p.Asp5Gly (NM_001271068.2, NM_001271069.2, NM_145112.3 and 3 more transcripts); c.-261A>G (NM_001320415.2); c.14A>G (NM_002382.4); short protein forms D5G.
Identifiers: ClinVar variation 485708 (VCV000485708.14), dbSNP rs150113270, ClinGen allele CA262729187.